The following is an entry in ClinVar:

ClinVar aggregate classification (germline): Likely benign. Review status: criteria provided, multiple submitters, no conflicts (2 of 4 stars). 4 submissions from 4 submitters: Likely benign (4). Last evaluated 2026-01-24.

Conditions:
Primary ciliary dyskinesia. Also called: Ciliary dyskinesia. Identifiers: Orphanet 244, MedGen C0008780, MONDO:0016575, HP:0012265.

Allele frequency attached by ClinVar (database versions not stated): gnomAD 0.00006 and 0.00007; TOPMed 0.00008; ExAC 0.00010; gnomAD exomes 0.00010; ESP Exome Variant Server 0.00023.
gnomAD v4.1: 127 of 1,613,908 alleles (0.0079%); highest among the groups gnomAD compares: South Asian, 0.021%; no homozygotes.

Submissions (4):

Labcorp Genetics (formerly Invitae), Labcorp
Classification: Likely benign for Primary ciliary dyskinesia. Last evaluated: 2026-01-24. Review status: criteria provided, single submitter. Criteria: Invitae Variant Classification Sherloc (09022015). Collection method: clinical testing. Allele origin: germline.

Mayo Clinic Laboratories, Mayo Clinic
Classification: Likely benign. Last evaluated: 2025-04-23. Review status: criteria provided, single submitter. Criteria: ACMG Guidelines, 2015. Collection method: clinical testing. Allele origin: germline. Observed: 1 variant allele.
Comment: BP4, BP7

Blueprint Genetics
Classification: Likely benign. Last evaluated: 2024-11-18. Review status: criteria provided, single submitter. Criteria: ACMG Guidelines, 2015. Collection method: clinical testing. Allele origin: germline.

Ambry Genetics
Classification: Likely benign for Primary ciliary dyskinesia. Last evaluated: 2015-10-04. Review status: criteria provided, single submitter. Criteria: Ambry Variant Classification Scheme 2023. Collection method: clinical testing. Allele origin: germline.

NM_018139.3(DNAAF2):c.1674A>G (p.Lys558=)

Genes: DNAAF2 (dynein axonemal assembly factor 2; minus strand), LOC130055541 (ATAC-STARR-seq lymphoblastoid active region 8320; plus strand). Cytogenetic location: 14q21.3.
Variant type: single nucleotide variant.
Coding change: c.1674A>G on transcript NM_018139.3 (MANE Select); coding-DNA position 1674, A replaced by G.
Protein change: p.Lys558=; no amino-acid change (lysine 558 retained).
Molecular consequence: synonymous variant. On other transcripts: intron variant (1).
Genome position (GRCh38, 1-based): chr14:49,633,476, T>C on the plus strand (A>G on the coding strand, the complement: DNAAF2 is on the minus strand). VCF-style: chr14-49633476-T-C. GRCh37 (hg19) VCF-style: chr14-50100194-T-C.
Other names: p.Lys558=; c.1674A>G, p.Lys558= (NM_001083908.2); c.-205+7A>G (NM_001378453.1).
Identifiers: ClinVar variation 698393 (VCV000698393.13), dbSNP rs368097316, ClinGen allele CA7172848.